The following is an entry in ClinVar:

NM_015559.3(SETBP1):c.3140A>C (p.Tyr1047Ser)

Gene: SETBP1 (SET binding protein 1; plus strand). Cytogenetic location: 18q12.3.
Variant type: single nucleotide variant.
Coding change: c.3140A>C on transcript NM_015559.3 (MANE Select); coding-DNA position 3140, A replaced by C.
Protein change: p.Tyr1047Ser; replaces tyrosine 1047 with serine.
Molecular consequence: missense variant.
Genome position (GRCh38, 1-based): chr18:44,952,480, A>C. VCF-style: chr18-44952480-A-C. GRCh37 (hg19) VCF-style: chr18-42532445-A-C.
Other names: c.3140A>C, p.Tyr1047Ser (NM_001379141.1, NM_001379142.1, NM_001410862.1); short protein forms Y1047S.
Identifiers: ClinVar variation 3372552 (VCV003372552.1).

ClinVar aggregate classification (germline): Uncertain significance (1 of 4 stars; one submission).

Submission:

GeneDx
Classification: Uncertain significance. Last evaluated: 2024-04-12. Review status: criteria provided, single submitter. Criteria: GeneDx Variant Classification Process June 2021. Collection method: clinical testing. Allele origin: germline. Affected: yes.
Comment: Not observed at significant frequency in large population cohorts (gnomAD); In silico analysis supports that this missense variant has a deleterious effect on protein structure/function; Has not been previously published as pathogenic or benign to our knowledge